The following is an entry in ClinVar:

NM_000726.5(CACNB4):c.700-469G>A

Gene: CACNB4 (calcium voltage-gated channel auxiliary subunit beta 4; minus strand). Cytogenetic location: 2q23.3.
Variant type: single nucleotide variant.
Coding change: c.700-469G>A on transcript NM_000726.5 (MANE Select); 469 bases into the intron before coding-DNA position 700, G replaced by A.
Molecular consequence: intron variant.
Genome position (GRCh38, 1-based): chr2:151,869,704, C>T on the plus strand (G>A on the coding strand, the complement: CACNB4 is on the minus strand). VCF-style: chr2-151869704-C-T. GRCh37 (hg19) VCF-style: chr2-152726218-C-T.
Other names: c.700-469G>A (NM_001145798.2); c.625+827G>A (NM_001330113.2); c.646-469G>A (NM_001005746.4); c.577+827G>A (NM_001330115.2); c.598-469G>A (NM_001005747.4); c.538+827G>A (NM_001330116.2); c.46-469G>A (NM_001330114.2); c.559-469G>A (NM_001320722.3, NM_001330118.1); and 1 more.
Identifiers: ClinVar variation 2651437 (VCV002651437.24), dbSNP rs373385720, ClinGen allele CA57672433.
Genomic context (GRCh38, chr2:151,869,704, plus strand): 5'-TGCTAGTTTGTGTATGTTGGCGGAAATTCTCCATGCCCATGGCTGGATTTTTGTAGACCA[C>T]TCTCCTGCTCATCCCTCTGACATTTCCAACTCTGAGAAAGACAAGAGAGAAAGAGAGGGG-3'

ClinVar aggregate classification (germline): Likely benign (1 of 4 stars; one submission).

Allele frequency attached by ClinVar (database versions not stated): gnomAD exomes 0.00307; 1000 Genomes Project 0.00180; 1000 Genomes Project 30x 0.00187; gnomAD 0.00267.
gnomAD v4.1: 449 of 166,420 alleles (0.27%); highest among the groups gnomAD compares: Admixed American, 0.61%; 6 homozygotes.

Submission:

CeGaT Center for Human Genetics Tuebingen
Classification: Likely benign. Last evaluated: 2023-03-01. Review status: criteria provided, single submitter. Criteria: CeGaT Center For Human Genetics Tuebingen Variant Classification Criteria Version 2. Collection method: clinical testing. Allele origin: germline. Affected: yes. Observed: 5 variant alleles.
Comment: CACNB4: BS2